The following is an entry in ClinVar:

ClinVar aggregate classification (germline): Uncertain significance (1 of 4 stars; one submission).

Submission:

GeneDx
Classification: Uncertain significance. Last evaluated: 2024-03-11. Review status: criteria provided, single submitter. Criteria: GeneDx Variant Classification Process June 2021. Collection method: clinical testing. Allele origin: germline. Affected: yes.
Comment: Not observed at significant frequency in large population cohorts (gnomAD); In silico analysis supports that this missense variant has a deleterious effect on protein structure/function; Has not been previously published as pathogenic or benign to our knowledge

NM_001202.6(BMP4):c.1010G>A (p.Cys337Tyr)

Gene: BMP4 (bone morphogenetic protein 4; minus strand). Cytogenetic location: 14q22.2.
Variant type: single nucleotide variant.
Coding change: c.1010G>A on transcript NM_001202.6 (MANE Select); coding-DNA position 1010, G replaced by A.
Protein change: p.Cys337Tyr; replaces cysteine 337 with tyrosine.
Molecular consequence: missense variant.
Genome position (GRCh38, 1-based): chr14:53,950,249, C>T on the plus strand (G>A on the coding strand, the complement: BMP4 is on the minus strand). VCF-style: chr14-53950249-C-T. GRCh37 (hg19) VCF-style: chr14-54416967-C-T.
Other names: c.1151G>A, p.Cys384Tyr (NM_001347912.1); c.821G>A, p.Cys274Tyr (NM_001347913.2, NM_001347915.2, NM_001347917.1); c.1010G>A, p.Cys337Tyr (NM_001347914.2, NM_001347916.1, NM_130850.5 and 1 more transcripts); short protein forms C274Y, C337Y, C384Y.
Identifiers: ClinVar variation 3370640 (VCV003370640.1).